The following is an entry in ClinVar:

NC_000017.11:g.(?_43067608)_(43076614_?)del

Gene: BRCA1 (BRCA1 DNA repair associated; minus strand). Cytogenetic location: 17q21.31.
Variant type: Deletion.
Identifiers: ClinVar variation 417592 (VCV000417592.1).

ClinVar aggregate classification (germline): Likely pathogenic (1 of 4 stars; one submission).

Conditions:
Hereditary breast ovarian cancer syndrome. Also called: Breast and ovarian cancer; Hereditary breast and ovarian cancer; Hereditary breast and/or ovarian cancer syndrome; BRCA1- and BRCA2-Associated Hereditary Breast and Ovarian Cancer; Hereditary breast and ovarian cancer syndrome (HBOC); Hereditary breast and ovarian cancer syndrome. Identifiers: Orphanet 145, MedGen C0677776, MeSH D061325, MONDO:0003582. Disease mechanism: loss of function.

Submission:

Labcorp Genetics (formerly Invitae), Labcorp
Classification: Likely pathogenic for Hereditary breast ovarian cancer syndrome. Last evaluated: 2016-08-18. Review status: criteria provided, single submitter. Criteria: Invitae Variant Classification Sherloc (09022015). Collection method: clinical testing. Allele origin: germline.
Comment: This variant is a gross deletion of the genomic region encompassing exons 13-16 of the BRCA1 gene. This leads to an in-frame deletion, preserving the integrity of the reading frame. Loss-of-function variants in BRCA1 are known to be pathogenic. This particular variant has been reported in the literature in a patient with breast cancer (PMID: 9354803). In addition, this variant deletes the BRCT1 domain, which affects BRCA1 protein-protein interactions resulting in a folding defect, leading to an inactive protein (PMID: 15133502). For these reasons, this variant has been classified as Likely Pathogenic.